The following is an entry in ClinVar:

ClinVar aggregate classification (germline): Benign/Likely benign. Review status: criteria provided, multiple submitters, no conflicts (2 of 4 stars). 19 submissions from 18 submitters: Benign (12); Likely benign (2). 5 of the submissions do not count toward it. Last evaluated 2026-02-04.

Conditions:
Cardiovascular phenotype. Identifiers: MedGen CN230736.
Left ventricular noncompaction 10 (LVNC10). Identifiers: Orphanet 154, Orphanet 54260, MedGen C3715165, MONDO:0014163, OMIM 615396.
Cardiomyopathy (CMYO). Also called: Cardiomyopathies. Identifiers: Orphanet 167848, MedGen C0878544, MONDO:0004994, HP:0001638. Inheritance: Various modes of inheritance.
Hypertrophic cardiomyopathy 4. Also called: Familial hypertrophic cardiomyopathy 4. Identifiers: MedGen C1861862, MONDO:0007268, OMIM 115197.
Hypertrophic cardiomyopathy. Also called: HYPERTROPHIC MYOCARDIOPATHY. Identifiers: Orphanet 217569, MedGen C0007194, MeSH D002312, MONDO:0005045, HP:0001639.

Allele frequency attached by ClinVar (database versions not stated): TOPMed 0.01488; 1000 Genomes Project 30x 0.01530; gnomAD exomes 0.00125 and 0.00370; ExAC 0.00463; gnomAD 0.01332 and 0.01438; ESP Exome Variant Server 0.01594; 1000 Genomes Project 0.01597.
gnomAD v4.1: 3,903 of 1,582,200 alleles (0.25%); highest among the groups gnomAD compares: African/African-American, 4.6%; 83 homozygotes.

Submissions (19):

Labcorp Genetics (formerly Invitae), Labcorp
Classification: Benign for Hypertrophic cardiomyopathy. Last evaluated: 2026-02-04. Review status: criteria provided, single submitter. Criteria: Invitae Variant Classification Sherloc (09022015). Collection method: clinical testing. Allele origin: germline.

ARUP Laboratories, Molecular Genetics and Genomics, ARUP Laboratories
Classification: Benign. Last evaluated: 2025-07-23. Review status: criteria provided, single submitter. Criteria: ARUP Molecular Germline Variant Investigation Process 2024. Collection method: clinical testing. Allele origin: germline.

Color Diagnostics, LLC DBA Color Health
Classification: Benign for Cardiomyopathy. Last evaluated: 2018-03-09. Review status: criteria provided, single submitter. Criteria: ACMG Guidelines, 2015. Collection method: clinical testing. Allele origin: germline.

Illumina Laboratory Services, Illumina
Classification: Likely benign for Hypertrophic cardiomyopathy 4. Last evaluated: 2018-01-13. Review status: criteria provided, single submitter. Criteria: ICSL Variant Classification Criteria 13 December 2019. Collection method: clinical testing. Allele origin: germline.
Comment: This variant was observed in the ICSL laboratory as part of a predisposition screen in an ostensibly healthy population. It had not been previously curated by ICSL or reported in the Human Gene Mutation Database (HGMD: prior to June 1st, 2018), and was therefore a candidate for classification through an automated scoring system. Utilizing variant allele frequency, disease prevalence and penetrance estimates, and inheritance mode, an automated score was calculated to assess if this variant is too frequent to cause the disease. Based on the score and internal cut-off values, a variant classified as likely benign is not then subjected to further curation. The score for this variant resulted in a classification of likely benign for this disease.

Illumina Laboratory Services, Illumina
Classification: Benign for Left ventricular noncompaction 10. Last evaluated: 2018-01-13. Review status: criteria provided, single submitter. Criteria: ICSL Variant Classification Criteria 13 December 2019. Collection method: clinical testing. Allele origin: germline.
Comment: This variant was observed in the ICSL laboratory as part of a predisposition screen in an ostensibly healthy population. It had not been previously curated by ICSL or reported in the Human Gene Mutation Database (HGMD: prior to June 1st, 2018), and was therefore a candidate for classification through an automated scoring system. Utilizing variant allele frequency, disease prevalence and penetrance estimates, and inheritance mode, an automated score was calculated to assess if this variant is too frequent to cause the disease. Based on the score and internal cut-off values, a variant classified as benign is not then subjected to further curation. The score for this variant resulted in a classification of benign for this disease.

Mayo Clinic Laboratories, Mayo Clinic
Classification: Benign. Last evaluated: 2015-11-03. Review status: criteria provided, single submitter. Criteria: ACMG Guidelines, 2015. Collection method: clinical testing. Allele origin: germline. Observed: 30 variant alleles.

Ambry Genetics
Classification: Benign for Cardiovascular phenotype. Last evaluated: 2015-09-29. Review status: criteria provided, single submitter. Criteria: Ambry Variant Classification Scheme 2023. Collection method: clinical testing. Allele origin: germline.

Clinical Genetics DNA and cytogenetics Diagnostics Lab, Erasmus MC, Erasmus Medical Center
Classification: Benign for Hypertrophic cardiomyopathy 4. Last evaluated: 2015-09-21. Review status: criteria provided, single submitter. Criteria: ACGS Guidelines, 2013. Collection method: clinical testing. Allele origin: germline. Affected: yes. Study: VKGL Data-share Consensus.

GeneDx
Classification: Benign. Last evaluated: 2015-03-03. Review status: criteria provided, single submitter. Criteria: GeneDx Variant Classification Process June 2021. Collection method: clinical testing. Allele origin: germline. Affected: yes.

Genome Diagnostics Laboratory, University Medical Center Utrecht
Classification: Benign for Hypertrophic cardiomyopathy 4. Last evaluated: 2014-10-10. Review status: criteria provided, single submitter. Criteria: ACGS Guidelines, 2013. Collection method: clinical testing. Allele origin: germline. Affected: yes. Study: VKGL Data-share Consensus.

Laboratory for Molecular Medicine, Mass General Brigham Personalized Medicine
Classification: Benign. Last evaluated: 2010-07-08. Review status: criteria provided, single submitter. Criteria: LMM Criteria. Collection method: clinical testing. Allele origin: germline. Observed: 64 variant alleles.
Comment: This variant is not expected to have clinical significance because it does not a lter an amino acid residue and is not located near a splice junction. In additio n, this variant has been identified in 3.3% of the Black population (dbSNP:rs115 70097). In summary, this variant is highly likely to be benign.

Breakthrough Genomics
Classification: Likely benign. Review status: criteria provided, single submitter. Criteria: ACMG Guidelines, 2015. Collection method: not provided. Allele origin: germline. Inheritance: Autosomal dominant inheritance. Affected: yes.

Molecular Diagnostic Laboratory for Inherited Cardiovascular Disease, Montreal Heart Institute
Classification: Benign. Review status: criteria provided, single submitter. Criteria: ACMG Guidelines, 2015. Collection method: clinical testing. Allele origin: germline. Affected: yes.

PreventionGenetics, part of Exact Sciences
Classification: Benign. Review status: criteria provided, single submitter. Criteria: ACMG Guidelines, 2015. Collection method: clinical testing. Allele origin: germline.

Cohesion Phenomics
Classification: Benign for Hypertrophic cardiomyopathy. Last evaluated: 2022-10-10. Review status: no assertion criteria provided. Criteria: ACMG Guidelines, 2015. Collection method: clinical testing. Allele origin: germline. Affected: yes. Not counted in ClinVar's aggregate classification.

Clinical Genetics, Academic Medical Center
Classification: Benign. Review status: no assertion criteria provided. Collection method: clinical testing. Allele origin: germline. Affected: yes. Study: VKGL Data-share Consensus. Not counted in ClinVar's aggregate classification.

Diagnostic Laboratory, Department of Genetics, University Medical Center Groningen
Classification: Benign for Hypertrophic cardiomyopathy 4. Review status: no assertion criteria provided. Collection method: clinical testing. Allele origin: germline. Affected: yes. Study: VKGL Data-share Consensus. Not counted in ClinVar's aggregate classification.

Joint Genome Diagnostic Labs from Nijmegen and Maastricht, Radboudumc and MUMC+
Classification: Benign. Review status: no assertion criteria provided. Collection method: clinical testing. Allele origin: germline. Affected: yes. Study: VKGL Data-share Consensus. Not counted in ClinVar's aggregate classification.

Laboratory of Diagnostic Genome Analysis, Leiden University Medical Center (LUMC)
Classification: Likely benign. Review status: no assertion criteria provided. Collection method: clinical testing. Allele origin: germline. Affected: yes. Study: VKGL Data-share Consensus. Not counted in ClinVar's aggregate classification.

NM_000256.3(MYBPC3):c.2601C>T (p.Ile867=)

Gene: MYBPC3 (myosin binding protein C3; minus strand). Cytogenetic location: 11p11.2.
Variant type: single nucleotide variant.
Coding change: c.2601C>T on transcript NM_000256.3 (MANE Select); coding-DNA position 2601, C replaced by T.
Protein change: p.Ile867=; no amino-acid change (isoleucine 867 retained).
Molecular consequence: synonymous variant.
Genome position (GRCh38, 1-based): chr11:47,337,392, G>A on the plus strand (C>T on the coding strand, the complement: MYBPC3 is on the minus strand). VCF-style: chr11-47337392-G-A. GRCh37 (hg19) VCF-style: chr11-47358943-G-A.
Other names: p.Ile867=.
Identifiers: ClinVar variation 42645 (VCV000042645.52), dbSNP rs11570097, ClinGen allele CA012676.